The following is an entry in ClinVar:

ClinVar aggregate classification (germline): Likely benign (1 of 4 stars; one submission).

gnomAD v4.1: 31 of 1,614,064 alleles (0.0019%); highest among the groups gnomAD compares: Non-Finnish European, 0.0026%; no homozygotes.

Submission:

CeGaT Center for Human Genetics Tuebingen
Classification: Likely benign. Last evaluated: 2026-07-01. Review status: criteria provided, single submitter. Criteria: CeGaT Center For Human Genetics Tuebingen Variant Classification Criteria Version 2. Collection method: clinical testing. Allele origin: germline. Affected: yes. Observed: 1 variant allele.
Comment: PSEN2: BP4, BP7

NM_000447.3(PSEN2):c.1167G>A (p.Leu389=)

Gene: PSEN2 (presenilin 2; plus strand). Cytogenetic location: 1q42.13.
Variant type: single nucleotide variant.
Coding change: c.1167G>A on transcript NM_000447.3 (MANE Select); coding-DNA position 1167, G replaced by A.
Protein change: p.Leu389=; no amino-acid change (leucine 389 retained).
Molecular consequence: synonymous variant.
Genome position (GRCh38, 1-based): chr1:226,894,101, G>A. VCF-style: chr1-226894101-G-A. GRCh37 (hg19) VCF-style: chr1-227081802-G-A.
Other names: c.1167G>A, p.Leu389= (NM_001437537.1); c.1164G>A, p.Leu388= (NM_012486.3).
Identifiers: ClinVar variation 5038716 (VCV005038716.1).
Genomic context (GRCh38, chr1:226,894,101, plus strand): 5'-CTACAGTGTGCTGGTGGGCAAGGCGGCTGCCACGGGCAGCGGGGACTGGAATACCACGCT[G>A]GCCTGCTTCGTGGCCATCCTCATTGTGAGTGGCTGGGGATGCGTCCAGCTGCCTCGTGGT-3'
Protein context (NP_000438.2, residues 379-399): ATGSGDWNTT[Leu389=]ACFVAILIGL